The following is an entry in ClinVar:

ClinVar aggregate classification (germline): Conflicting classifications of pathogenicity. Review status: criteria provided, conflicting classifications (1 of 4 stars). 4 submissions from 4 submitters: Uncertain significance (2); Likely benign (2). Last evaluated 2025-12-21.

Conditions:
Hereditary cancer-predisposing syndrome. Also called: Hereditary Cancer Syndrome; Hereditary neoplastic syndrome; Neoplastic Syndromes, Hereditary; Tumor predisposition. Identifiers: Orphanet 140162, MedGen C0027672, MeSH D009386, MONDO:0015356.
Hereditary breast ovarian cancer syndrome. Also called: Hereditary breast and/or ovarian cancer syndrome; Breast and ovarian cancer; BRCA1- and BRCA2-Associated Hereditary Breast and Ovarian Cancer; Hereditary breast and ovarian cancer syndrome; Hereditary breast and ovarian cancer syndrome (HBOC); Hereditary breast and ovarian cancer. Identifiers: Orphanet 145, MedGen C0677776, MeSH D061325, MONDO:0003582. Disease mechanism: loss of function.
Breast cancer, susceptibility to. Identifiers: MedGen C3469522. Disease mechanism: gain of function.

Submissions (4):

Labcorp Genetics (formerly Invitae), Labcorp
Classification: Uncertain significance for Hereditary breast ovarian cancer syndrome. Last evaluated: 2025-12-21. Review status: criteria provided, single submitter. Criteria: Invitae Variant Classification Sherloc (09022015). Collection method: clinical testing. Allele origin: germline.
Comment: This sequence change replaces threonine, which is neutral and polar, with serine, which is neutral and polar, at codon 1119 of the BRCA1 protein (p.Thr1119Ser). This variant is not present in population databases (gnomAD no frequency). This missense change has been observed in individual(s) with breast cancer and/or indication for BRCA1 genetic testing (PMID: 10923033, 16267036). ClinVar contains an entry for this variant (Variation ID: 216662). Invitae Evidence Modeling of protein sequence and biophysical properties (such as structural, functional, and spatial information, amino acid conservation, physicochemical variation, residue mobility, and thermodynamic stability) indicates that this missense variant is not expected to disrupt BRCA1 protein function with a negative predictive value of 80%. In summary, the available evidence is currently insufficient to determine the role of this variant in disease. Therefore, it has been classified as a Variant of Uncertain Significance.

University of Washington Department of Laboratory Medicine, University of Washington
Classification: Likely benign for Hereditary cancer-predisposing syndrome. Last evaluated: 2023-03-23. Review status: criteria provided, single submitter. Criteria: Dines et al. (Genet Med. 2020). Collection method: curation. Allele origin: germline.
Comment: Missense variant in a coldspot region where missense variants are very unlikely to be pathogenic (PMID:31911673).

BRCA1 coldspot (exon 11 using historical exon numbering). Reclassification based on statistical prior probability

Ambry Genetics
Classification: Likely benign for Hereditary cancer-predisposing syndrome. Last evaluated: 2020-09-30. Review status: criteria provided, single submitter. Criteria: Ambry Variant Classification Scheme 2023. Collection method: clinical testing. Allele origin: germline.

Cancer Molecular Diagnostics Core, Tianjin Medical University Cancer Institute and Hospital
Classification: Uncertain significance for Breast cancer, susceptibility to. Last evaluated: 2018-03-25. Review status: criteria provided, single submitter. Criteria: ACMG Guidelines, 2015. Collection method: research. Allele origin: germline. Affected: yes. Observed: 1 variant allele.

Literature cited by the submitters: PubMed 10923033 (cited by Labcorp Genetics (formerly Invitae), Labcorp); PubMed 16267036 (cited by Labcorp Genetics (formerly Invitae), Labcorp); PubMed 28364669 (cited by Ambry Genetics).

NM_007294.4(BRCA1):c.3356C>G (p.Thr1119Ser)

Genes: BRCA1 (BRCA1 DNA repair associated; minus strand), LOC126862571 (BRD4-independent group 4 enhancer GRCh37_chr17:41243136-41244335; plus strand). Cytogenetic location: 17q21.31.
Variant type: single nucleotide variant.
Coding change: c.3356C>G on transcript NM_007294.4 (MANE Select); coding-DNA position 3356, C replaced by G.
Protein change: p.Thr1119Ser; replaces threonine 1119 with serine.
Molecular consequence: missense variant. On other transcripts: intron variant (137).
Genome position (GRCh38, 1-based): chr17:43,092,175, G>C on the plus strand (C>G on the coding strand, the complement: BRCA1 is on the minus strand). VCF-style: chr17-43092175-G-C. GRCh37 (hg19) VCF-style: chr17-41244192-G-C.
Other names: c.3233C>G, p.Thr1078Ser (NM_001407679.1, NM_001407681.1, NM_001407682.1 and 19 more transcripts); c.785-1143C>G (NM_001407984.1, NM_001408398.1, NM_001407992.1 and 13 more transcripts); c.665-1143C>G (NM_001408443.1, NM_001408439.1, NM_001408425.1 and 12 more transcripts); c.791-1152C>G (NM_001408406.1); c.647-1143C>G (NM_001408456.1, NM_001408410.1, NM_001408458.1 and 11 more transcripts); c.644-1143C>G (NM_001408465.1, NM_001408463.1, NM_001408462.1 and 3 more transcripts); c.578-1143C>G (NM_001408482.1, NM_001408484.1, NM_001408478.1 and 9 more transcripts); c.671-1143C>G (NM_001408419.1, NM_001408422.1, NM_001408418.1 and 2 more transcripts); and 41 more; short protein forms T1119S, T1072S, T1008S, T1048S, T951S, T1030S, T1031S, T1078S.
Identifiers: ClinVar variation 216662 (VCV000216662.15), dbSNP rs863224759, ClinGen allele CA337866.